The following is an entry in ClinVar:

ClinVar aggregate classification (germline): Uncertain significance. Review status: criteria provided, multiple submitters, no conflicts (2 of 4 stars). 2 submissions from 2 submitters: Uncertain significance (2). Last evaluated 2025-06-18.

Allele frequency attached by ClinVar (database versions not stated): gnomAD exomes 0.00001 and 0.00002; ExAC 0.00003; gnomAD 0.00009; TOPMed 0.00011; 1000 Genomes Project 30x 0.00016; 1000 Genomes Project 0.00020.
gnomAD v4.1: 29 of 1,611,556 alleles (0.0018%); highest among the groups gnomAD compares: Middle Eastern, 0.033%; 1 homozygote.

Submissions (2):

Ambry Genetics
Classification: Uncertain significance. Last evaluated: 2025-06-18. Review status: criteria provided, single submitter. Criteria: Ambry Variant Classification Scheme 2023. Collection method: clinical testing. Allele origin: germline.

Labcorp Genetics (formerly Invitae), Labcorp
Classification: Uncertain significance. Last evaluated: 2025-01-13. Review status: criteria provided, single submitter. Criteria: Invitae Variant Classification Sherloc (09022015). Collection method: clinical testing. Allele origin: germline.
Comment: This sequence change replaces arginine, which is basic and polar, with histidine, which is basic and polar, at codon 552 of the ANKZF1 protein (p.Arg552His). This variant is present in population databases (rs537199833, gnomAD 0.03%). This variant has not been reported in the literature in individuals affected with ANKZF1-related conditions. ClinVar contains an entry for this variant (Variation ID: 1388126). An algorithm developed to predict the effect of missense changes on protein structure and function outputs the following: PolyPhen-2: "Benign". The histidine amino acid residue is found in multiple mammalian species, which suggests that this missense change does not adversely affect protein function. In summary, the available evidence is currently insufficient to determine the role of this variant in disease. Therefore, it has been classified as a Variant of Uncertain Significance.

NM_018089.3(ANKZF1):c.1655G>A (p.Arg552His)

Gene: ANKZF1 (ankyrin repeat and zinc finger peptidyl tRNA hydrolase 1; plus strand). Cytogenetic location: 2q35.
Variant type: single nucleotide variant.
Coding change: c.1655G>A on transcript NM_018089.3 (MANE Select); coding-DNA position 1655, G replaced by A.
Protein change: p.Arg552His; replaces arginine 552 with histidine.
Molecular consequence: missense variant.
Genome position (GRCh38, 1-based): chr2:219,235,276, G>A. VCF-style: chr2-219235276-G-A. GRCh37 (hg19) VCF-style: chr2-220099998-G-A.
Other names: c.1655G>A, p.Arg552His (NM_001042410.2); c.1025G>A, p.Arg342His (NM_001282792.2); c.1655G>A (NM_018089.2); short protein forms R342H, R552H.
Identifiers: ClinVar variation 1388126 (VCV001388126.9), dbSNP rs537199833, ClinGen allele CA2121113.